The following is an entry in ClinVar:

NM_007294.4(BRCA1):c.928C>T (p.Gln310Ter)

Gene: BRCA1 (BRCA1 DNA repair associated; minus strand). Cytogenetic location: 17q21.31.
Variant type: single nucleotide variant.
Coding change: c.928C>T on transcript NM_007294.4 (MANE Select); coding-DNA position 928, C replaced by T.
Protein change: p.Gln310Ter; replaces glutamine 310 with a stop codon.
Molecular consequence: nonsense. On other transcripts: intron variant (137).
Genome position (GRCh38, 1-based): chr17:43,094,603, G>A on the plus strand (C>T on the coding strand, the complement: BRCA1 is on the minus strand). VCF-style: chr17-43094603-G-A. GRCh37 (hg19) VCF-style: chr17-41246620-G-A.
Other names: 1047C>T-Gln310ter; c.715C>T, p.Gln239Ter (NM_001407571.1, NM_001407898.1, NM_001407899.1 and 9 more transcripts); c.928C>T, p.Gln310Ter (NM_001407581.1, NM_001407582.1, NM_001407583.1 and 30 more transcripts); c.925C>T, p.Gln309Ter (NM_001407587.1, NM_001407590.1, NM_001407591.1 and 22 more transcripts); c.919C>T, p.Gln307Ter (NM_001407647.1, NM_001407646.1); c.805C>T, p.Gln269Ter (NM_001407648.1, NM_001407668.1, NM_001407669.1 and 19 more transcripts); c.802C>T, p.Gln268Ter (NM_001407649.1, NM_001407670.1, NM_001407671.1 and 11 more transcripts); c.850C>T, p.Gln284Ter (NM_001407653.1, NM_001407654.1, NM_001407655.1 and 4 more transcripts); and 41 more; short protein forms Q310*, Q263*, Q198*, Q221*, Q222*, Q14*, Q183*, Q268*.
Identifiers: ClinVar variation 55758 (VCV000055758.39), dbSNP rs397509338, ClinGen allele CA003972.

ClinVar aggregate classification (germline): Pathogenic. Review status: reviewed by expert panel (3 of 4 stars). 10 submissions from 10 submitters: Pathogenic (1). 9 of the submissions do not count toward it. Last evaluated 2016-10-18.

Conditions:
Hereditary cancer-predisposing syndrome. Also called: Hereditary Cancer Syndrome; Hereditary neoplastic syndrome; Neoplastic Syndromes, Hereditary; Tumor predisposition. Identifiers: Orphanet 140162, MedGen C0027672, MeSH D009386, MONDO:0015356.
Hereditary breast ovarian cancer syndrome. Also called: BRCA1- and BRCA2-Associated Hereditary Breast and Ovarian Cancer; Hereditary breast and ovarian cancer syndrome; Hereditary breast and ovarian cancer syndrome (HBOC); Breast and ovarian cancer; Hereditary breast and/or ovarian cancer syndrome; Hereditary breast and ovarian cancer. Identifiers: Orphanet 145, MedGen C0677776, MeSH D061325, MONDO:0003582. Disease mechanism: loss of function.
Breast-ovarian cancer, familial, susceptibility to, 1 (BROVCA1). Also called: BRCA1 Hereditary Breast and Ovarian Cancer; OVARIAN CANCER, SUSCEPTIBILITY TO. Identifiers: Orphanet 145, MedGen C2676676, MONDO:0011450, OMIM 604370. Disease mechanism: loss of function.

Allele frequency attached by ClinVar (database versions not stated): gnomAD exomes below 0.00001.
gnomAD v4.1: 1 of 1,614,114 alleles (0.000062%); highest among the groups gnomAD compares: Non-Finnish European, 0.000085%; no homozygotes.

Submissions (10):

Evidence-based Network for the Interpretation of Germline Mutant Alleles (ENIGMA)
Classification: Pathogenic for Breast-ovarian cancer, familial, susceptibility to, 1. Last evaluated: 2016-10-18. Review status: reviewed by expert panel. Criteria: ENIGMA BRCA1/2 Classification Criteria (2015). Collection method: curation. Allele origin: germline.
Comment: Variant allele predicted to encode a truncated non-functional protein.

Ambry Genetics
Classification: Pathogenic for Hereditary cancer-predisposing syndrome. Last evaluated: 2024-11-06. Review status: criteria provided, single submitter. Criteria: Ambry Variant Classification Scheme 2023. Collection method: clinical testing. Allele origin: germline. Not counted in ClinVar's aggregate classification.
Comment: The p.Q310* pathogenic mutation (also known as c.928C>T), located in coding exon 9 of the BRCA1 gene, results from a C to T substitution at nucleotide position 928. This changes the amino acid from a glutamine to a stop codon within coding exon 9. This mutation has been detected in multiple breast and/or ovarian cancer patients (Wang PH et al. Jpn J Clin Oncol, 2000 Aug;30:343-8; Seong MW et al. Clin Genet, 2009 Aug;76:152-60; Meisel C et al. Arch Gynecol Obstet, 2017 May;295:1227-1238; Eoh KJ et al. Cancer Res Treat, 2018 Jul;50:917-925; Ryu JM et al. Breast Cancer Res Treat, 2019 Jan;173:385-395; Wang J et al. Cancer Med, 2019 05;8:2074-2084; Choi MC et al. Cancer Res Treat, 2020 Apr;52:634-644; Chao A et al. J Gynecol Oncol, 2020 May;31:e24; Dorling et al. N Engl J Med. 2021 02;384:428-439). This alteration was also identified in a large, worldwide study of BRCA1/2 mutation positive families (Rebbeck TR et al. Hum Mutat, 2018 05;39:593-620). Of note, this alteration is also designated as 1047C>T and 1047 (CAG to TAG) in published literature. This variant is considered to be rare based on population cohorts in the Genome Aggregation Database (gnomAD). In addition to the clinical data presented in the literature, this alteration is expected to result in loss of function by premature protein truncation or nonsense-mediated mRNA decay. As such, this alteration is interpreted as a disease-causing mutation.

Labcorp Genetics (formerly Invitae), Labcorp
Classification: Pathogenic for Hereditary breast ovarian cancer syndrome. Last evaluated: 2024-07-19. Review status: criteria provided, single submitter. Criteria: Invitae Variant Classification Sherloc (09022015). Collection method: clinical testing. Allele origin: germline. Not counted in ClinVar's aggregate classification.
Comment: This sequence change creates a premature translational stop signal (p.Gln310*) in the BRCA1 gene. It is expected to result in an absent or disrupted protein product. Loss-of-function variants in BRCA1 are known to be pathogenic (PMID: 20104584). This variant is not present in population databases (gnomAD no frequency). This premature translational stop signal has been observed in individual(s) with breast and ovarian cancer (PMID: 11059339, 17100994, 22798144, 29020732). ClinVar contains an entry for this variant (Variation ID: 55758). For these reasons, this variant has been classified as Pathogenic.

Color Diagnostics, LLC DBA Color Health
Classification: Pathogenic for Hereditary cancer-predisposing syndrome. Last evaluated: 2023-07-06. Review status: criteria provided, single submitter. Criteria: ACMG Guidelines, 2015. Collection method: clinical testing. Allele origin: germline. Not counted in ClinVar's aggregate classification.
Comment: This variant changes 1 nucleotide in exon 10 of the BRCA1 gene, creating a premature translation stop signal. This variant is expected to result in an absent or non-functional protein product. This variant has been reported in multiple individuals affected with breast and/or ovarian cancer (PMID: 11059339, 11433401, 17100994, 22438049, 22798144, 29020732, 30982232, 30350268, 30309222, 31958182) and has been detected in a breast cancer case-control meta-analysis in 3/60466 cases and 0/53461 unaffected individuals (PMID: 33471991; Leiden Open Variation Database DB-ID BRCA1_001915). This variant has not been identified in the general population by the Genome Aggregation Database (gnomAD). Loss of BRCA1 function is a known mechanism of disease. Based on the available evidence, this variant is classified as Pathogenic.

Institute for Clinical Genetics, University Hospital TU Dresden, University Hospital TU Dresden
Classification: Pathogenic. Last evaluated: 2021-11-03. Review status: criteria provided, single submitter. Criteria: ACMG Guidelines, 2015. Collection method: clinical testing. Allele origin: germline. Not counted in ClinVar's aggregate classification.

Women's Health and Genetics/Laboratory Corporation of America, LabCorp
Classification: Pathogenic for Hereditary breast and ovarian cancer syndrome. Last evaluated: 2019-10-07. Review status: criteria provided, single submitter. Criteria: LabCorp Variant Classification Summary - May 2015. Collection method: clinical testing. Allele origin: germline. Not counted in ClinVar's aggregate classification.
Comment: Variant summary: BRCA1 c.928C>T (p.Gln310X) results in a premature termination codon, predicted to cause a truncation of the encoded protein or absence of the protein due to nonsense mediated decay, which are commonly known mechanisms for disease. Truncations downstream of this position have been classified as pathogenic by our laboratory. The variant was absent in 251376 control chromosomes (gnomAD). c.928C>T has been reported in the literature in multiple individuals affected with Hereditary Breast and Ovarian Cancer (Rebbeck_2018). These data indicate that the variant is very likely to be associated with disease. A database, UMD, reports the variant to co-occur with another pathogenic BRCA1 variant, c.2433delC (p.Lys812ArgfsX3). Four ClinVar submissions including an expert panel, ENIGMA (evaluation after 2014) cites the variant as pathogenic. Based on the evidence outlined above, the variant was classified as pathogenic.

GeneDx
Classification: Pathogenic. Last evaluated: 2015-12-22. Review status: criteria provided, single submitter. Criteria: GeneDx Variant Classification (06012015). Collection method: clinical testing. Allele origin: germline. Affected: yes. Not counted in ClinVar's aggregate classification.
Comment: This variant is denoted BRCA1 c.928C>T at the cDNA level and p.Gln310Ter (Q310X) at the protein level. The substitution creates a nonsense variant, which changes a Glutamine to a premature stop codon (CAG>TAG) , and is predicted to cause loss of normal protein function through either protein truncation or nonsense-mediated mRNA decay. This variant, also published as BRCA1 c.1047C>T using alternate nomenclature, has been reported in association with breast and ovarian cancer (Wang 2000, Kim 2006, Seong 2009, Tang 2001), and is considered pathogenic.

Consortium of Investigators of Modifiers of BRCA1/2 (CIMBA), c/o University of Cambridge
Classification: Pathogenic for Breast-ovarian cancer, familial, susceptibility to, 1. Last evaluated: 2015-10-02. Review status: criteria provided, single submitter. Criteria: CIMBA Mutation Classification guidelines May 2016. Collection method: clinical testing. Allele origin: germline. Not counted in ClinVar's aggregate classification.

BRCAlab, Lund University
Classification: Pathogenic for Breast-ovarian cancer, familial, susceptibility to, 1. Last evaluated: 2022-08-26. Review status: no assertion criteria provided. Collection method: clinical testing. Allele origin: germline. Affected: yes. Not counted in ClinVar's aggregate classification.

Veritas Genetics
Classification: Pathogenic for Hereditary breast ovarian cancer syndrome. Last evaluated: 2016-06-28. Review status: no assertion criteria provided. Collection method: clinical testing. Allele origin: germline. Affected: yes. Observed: 1 variant allele. Not counted in ClinVar's aggregate classification.

Literature cited by the submitters: PubMed 11059339 (cited by 4 submitters); PubMed 19656164 (cited by Ambry Genetics); PubMed 28324225 (cited by Ambry Genetics); PubMed 29020732 (cited by 3 submitters); PubMed 29446198 (cited by Ambry Genetics and Women's Health and Genetics/Laboratory Corporation of America, LabCorp); PubMed 30350268 (cited by Ambry Genetics and Color Diagnostics, LLC DBA Color Health); PubMed 30982232 (cited by Ambry Genetics and Color Diagnostics, LLC DBA Color Health); PubMed 31912679 (cited by Ambry Genetics); PubMed 32019284 (cited by Ambry Genetics); PubMed 33471991 (cited by Ambry Genetics and Color Diagnostics, LLC DBA Color Health); PubMed 20104584 (cited by Labcorp Genetics (formerly Invitae), Labcorp); PubMed 17100994 (cited by Labcorp Genetics (formerly Invitae), Labcorp and Color Diagnostics, LLC DBA Color Health); PubMed 22798144 (cited by Labcorp Genetics (formerly Invitae), Labcorp and Color Diagnostics, LLC DBA Color Health); PubMed 11433401 (cited by Color Diagnostics, LLC DBA Color Health); PubMed 22438049 (cited by Color Diagnostics, LLC DBA Color Health); PubMed 30309222 (cited by Color Diagnostics, LLC DBA Color Health); PubMed 31958182 (cited by Color Diagnostics, LLC DBA Color Health).